The following is an entry in ClinVar:

ClinVar aggregate classification (germline): Uncertain significance (1 of 4 stars; one submission).

Conditions:
Hypertrophic cardiomyopathy. Also called: HYPERTROPHIC MYOCARDIOPATHY. Identifiers: Orphanet 217569, MedGen C0007194, MeSH D002312, MONDO:0005045, HP:0001639.

Submission:

Labcorp Genetics (formerly Invitae), Labcorp
Classification: Uncertain significance for Hypertrophic cardiomyopathy. Last evaluated: 2025-10-01. Review status: criteria provided, single submitter. Criteria: Invitae Variant Classification Sherloc (09022015). Collection method: clinical testing. Allele origin: germline.
Comment: This sequence change replaces phenylalanine, which is neutral and non-polar, with leucine, which is neutral and non-polar, at codon 436 of the MYH7 protein (p.Phe436Leu). This variant is not present in population databases (gnomAD no frequency). This variant has not been reported in the literature in individuals affected with MYH7-related conditions. ClinVar contains an entry for this variant (Variation ID: 2760496). Invitae Evidence Modeling of protein sequence and biophysical properties (such as structural, functional, and spatial information, amino acid conservation, physicochemical variation, residue mobility, and thermodynamic stability) indicates that this missense variant is expected to disrupt MYH7 protein function with a positive predictive value of 95%. In summary, the available evidence is currently insufficient to determine the role of this variant in disease. Therefore, it has been classified as a Variant of Uncertain Significance.

NM_000257.4(MYH7):c.1306T>C (p.Phe436Leu)

Gene: MYH7 (myosin heavy chain 7; minus strand). Cytogenetic location: 14q11.2.
Variant type: single nucleotide variant.
Coding change: c.1306T>C on transcript NM_000257.4 (MANE Select); coding-DNA position 1306, T replaced by C.
Protein change: p.Phe436Leu; replaces phenylalanine 436 with leucine.
Molecular consequence: missense variant.
Genome position (GRCh38, 1-based): chr14:23,429,056, A>G on the plus strand (T>C on the coding strand, the complement: MYH7 is on the minus strand). VCF-style: chr14-23429056-A-G. GRCh37 (hg19) VCF-style: chr14-23898265-A-G.
Other names: c.1306T>C, p.Phe436Leu (NM_001407004.1); short protein forms F436L.
Identifiers: ClinVar variation 2760496 (VCV002760496.3), dbSNP rs2502302268, ClinGen allele CA389050902.